The following is an entry in ClinVar:

NM_021939.4(FKBP10):c.1016_1023dup (p.Thr342fs)

Gene: FKBP10 (FKBP prolyl isomerase 10; plus strand). Cytogenetic location: 17q21.2.
Variant type: Duplication.
Coding change: c.1016_1023dup on transcript NM_021939.4 (MANE Select); coding-DNA positions 1016 to 1023, 8 bases duplicated (GGAGAATT; older notation c.1016_1023dupGGAGAATT).
Protein change: p.Thr342fs; shifts the reading frame from threonine 342.
Molecular consequence: frameshift variant.
Genome position (GRCh38, 1-based): chr17:41,819,628-41,819,635, GGAGAATT duplicated. VCF-style (leftmost placement, unchanged base first): chr17-41819627-C-CGGAGAATT. GRCh37 (hg19) VCF-style: chr17-39975879-C-CGGAGAATT.
Other names: c.1016_1023dup8 (NM_021939.3); short protein forms T342fs.
Identifiers: ClinVar variation 30631 (VCV000030631.3), dbSNP rs137853884, ClinGen allele CA290699265.
Genomic context (GRCh38, chr17:41,819,627, plus strand): 5'-CAGGGTTACATCATCCCCGGGATGGACCAGGGGCTGCAGGGTGCCTGCATGGGGGAACGC[C>CGGAGAATT]GGAGAATTACCATCCCCCCGCACCTCGCCTATGGGGAGAATGGAACTGGTAGGGGCGTTC-3'

ClinVar aggregate classification (germline): Pathogenic. Review status: no assertion criteria provided (0 of 4 stars). 2 submissions from 2 submitters: Pathogenic (2). Last evaluated 2023-11-06.

Conditions:
Bruck syndrome 1 (BRKS1). Also called: ARTHROGRYPOSIS-LIKE DISORDER. Identifiers: Orphanet 1149, Orphanet 2771, MedGen C1850168, MONDO:0009806, OMIM 259450.
FKBP10-related disorder. Also called: FKBP10-related condition.

Submissions (2):

PreventionGenetics, part of Exact Sciences
Classification: Pathogenic for FKBP10-related condition. Last evaluated: 2023-11-06. Review status: no assertion criteria provided. Collection method: clinical testing. Allele origin: germline.
Comment: The FKBP10 c.1016_1023dup8 variant is predicted to result in a frameshift and premature protein termination (p.Thr342Glyfs*26). This variant was in the homozygous state in at least four individuals with osteopenia and/or recurrent fractures (Shaheen. 2010. PubMed ID: 20696291; Table S1, Maddirevula. 2018. PubMed ID: 29620724). This variant has not been reported in a large population database, indicating this variant is rare. Frameshift variants in FKBP10 are expected to be pathogenic. This variant is interpreted as pathogenic.

OMIM
Classification: Pathogenic for BRUCK SYNDROME 1. Last evaluated: 2010-08-13. Review status: no assertion criteria provided. Collection method: literature only. Allele origin: germline.

Literature cited by the submitters: PubMed 20696291 (cited by OMIM).